The following is an entry in ClinVar:

NM_002878.4(RAD51D):c.787G>T (p.Ala263Ser)

Genes: RAD51L3-RFFL (RAD51L3-RFFL readthrough; minus strand), RAD51D (RAD51 paralog D; minus strand). Cytogenetic location: 17q12.
Variant type: single nucleotide variant.
Coding change: c.787G>T on transcript NM_002878.4 (MANE Select); coding-DNA position 787, G replaced by T.
Protein change: p.Ala263Ser; replaces alanine 263 with serine.
Molecular consequence: missense variant. On other transcripts: non-coding transcript variant (3).
Genome position (GRCh38, 1-based): chr17:35,101,317, C>A on the plus strand (G>T on the coding strand, the complement: RAD51D is on the minus strand). VCF-style: chr17-35101317-C-A. GRCh37 (hg19) VCF-style: chr17-33428336-C-A.
Other names: c.847G>T, p.Ala283Ser (NM_001142571.2); c.451G>T, p.Ala151Ser (NM_133629.3); short protein forms A263S, A151S, A283S.
Identifiers: ClinVar variation 492445 (VCV000492445.7), dbSNP rs1555567161, ClinGen allele CA399086833.

ClinVar aggregate classification (germline): Uncertain significance. Review status: criteria provided, multiple submitters, no conflicts (2 of 4 stars). 2 submissions from 2 submitters: Uncertain significance (2). Last evaluated 2023-12-05.

Conditions:
Hereditary cancer-predisposing syndrome. Also called: Hereditary neoplastic syndrome; Tumor predisposition; Hereditary Cancer Syndrome; Neoplastic Syndromes, Hereditary. Identifiers: Orphanet 140162, MedGen C0027672, MeSH D009386, MONDO:0015356.
Breast-ovarian cancer, familial, susceptibility to, 4. Identifiers: Orphanet 145, MedGen C3280345, MONDO:0013669, OMIM 614291.

Submissions (2):

Color Diagnostics, LLC DBA Color Health
Classification: Uncertain significance for Hereditary cancer-predisposing syndrome. Last evaluated: 2023-12-05. Review status: criteria provided, single submitter. Criteria: ACMG Guidelines, 2015. Collection method: clinical testing. Allele origin: germline.
Comment: This missense variant replaces alanine with serine at codon 263 of the RAD51D protein. Computational prediction suggests that this variant may not impact protein structure and function (internally defined REVEL score threshold <= 0.5, PMID: 27666373). To our knowledge, functional studies have not been reported for this variant. This variant has not been reported in individuals affected with RAD51D-related disorders in the literature. This variant has not been identified in the general population by the Genome Aggregation Database (gnomAD). The available evidence is insufficient to determine the role of this variant in disease conclusively. Therefore, this variant is classified as a Variant of Uncertain Significance.

Department of Human Genetics, Hannover Medical School
Classification: Uncertain significance for Breast-ovarian cancer, familial, susceptibility to, 4. Last evaluated: 2023-03-03. Review status: criteria provided, single submitter. Criteria: ACMG Guidelines, 2015. Collection method: clinical testing. Allele origin: germline. Affected: yes.
Comment: This variant is a missense change in the RAD51D-Gene. It is not found in the gnomAD population database. This variant is predicted to be benign by the in silico tool REVEL. This variants is classified as VUS.